The following is an entry in ClinVar:

ClinVar aggregate classification (germline): Uncertain significance. Review status: criteria provided, multiple submitters, no conflicts (2 of 4 stars). 4 submissions from 3 submitters: Uncertain significance (4). Last evaluated 2022-03-15.

Conditions:
Adams-Oliver syndrome 5 (AOS5). Identifiers: Orphanet 974, MedGen C4014970, MONDO:0014459, OMIM 616028.
Aortic valve disease 1 (AOVD1). Identifiers: MedGen C3887892, MONDO:0024523, OMIM 109730.

Allele frequency attached by ClinVar (database versions not stated): gnomAD exomes 0.00001; ExAC 0.00002.
gnomAD v4.1: 10 of 1,611,896 alleles (0.00062%); highest among the groups gnomAD compares: East Asian, 0.0022%; no homozygotes.

Submissions (4):

Genome-Nilou Lab
Classification: Uncertain significance for Adams-Oliver syndrome 5. Last evaluated: 2022-03-15. Review status: criteria provided, single submitter. Criteria: ACMG Guidelines, 2015. Collection method: clinical testing. Allele origin: germline. Affected: no.

Genome-Nilou Lab
Classification: Uncertain significance for Aortic valve disease 1. Last evaluated: 2022-03-15. Review status: criteria provided, single submitter. Criteria: ACMG Guidelines, 2015. Collection method: clinical testing. Allele origin: germline. Affected: no.

Centre of Medical Genetics, University of Antwerp
Classification: Uncertain significance for Adams-Oliver syndrome 5. Last evaluated: 2017-12-01. Review status: criteria provided, single submitter. Criteria: Criteria for classifying variants, Center of Medical Genetics Antwerp, 2018. Collection method: research. Allele origin: unknown. Affected: yes.

Labcorp Genetics (formerly Invitae), Labcorp
Classification: Uncertain significance for Adams-Oliver syndrome 5. Last evaluated: 2017-10-09. Review status: criteria provided, single submitter. Criteria: Invitae Variant Classification Sherloc (09022015). Collection method: clinical testing. Allele origin: germline.
Comment: In summary, the available evidence is currently insufficient to determine the role of this variant in disease. Therefore, it has been classified as a Variant of Uncertain Significance. This sequence change replaces aspartic acid with asparagine at codon 528 of the NOTCH1 protein (p.Asp528Asn). The aspartic acid residue is highly conserved and there is a small physicochemical difference between aspartic acid and asparagine. This variant is present in population databases (rs757988142, ExAC 0.003%). This variant has not been reported in the literature in individuals with NOTCH1-related disease. Algorithms developed to predict the effect of missense changes on protein structure and function do not agree on the potential impact of this missense change (SIFT: "Deleterious"; PolyPhen-2: "Possibly Damaging"; Align-GVGD: "Class C15").

Literature cited by the submitters: PubMed 29924900 (cited by Centre of Medical Genetics, University of Antwerp).

NM_017617.5(NOTCH1):c.1582G>A (p.Asp528Asn)

Gene: NOTCH1 (notch receptor 1; minus strand). Cytogenetic location: 9q34.3.
Variant type: single nucleotide variant.
Coding change: c.1582G>A on transcript NM_017617.5 (MANE Select); coding-DNA position 1582, G replaced by A.
Protein change: p.Asp528Asn; replaces aspartic acid 528 with asparagine.
Molecular consequence: missense variant.
Genome position (GRCh38, 1-based): chr9:136,516,068, C>T on the plus strand (G>A on the coding strand, the complement: NOTCH1 is on the minus strand). VCF-style: chr9-136516068-C-T. GRCh37 (hg19) VCF-style: chr9-139410520-C-T.
Other names: c.1582G>A, p.Asp528Asn (LRG_1122t1); short protein forms D528N.
Identifiers: ClinVar variation 523607 (VCV000523607.8), dbSNP rs757988142, ClinGen allele CA5341710.